The following is an entry in ClinVar:

ClinVar aggregate classification (germline): Conflicting classifications of pathogenicity. Review status: criteria provided, conflicting classifications (1 of 4 stars). 3 submissions from 3 submitters: Uncertain significance (2); Likely benign (1). Last evaluated 2025-08-09.

Allele frequency attached by ClinVar (database versions not stated): gnomAD 0.00001 and 0.00007; TOPMed 0.00003; gnomAD exomes 0.00008 and 0.00016; ExAC 0.00024; 1000 Genomes Project 30x 0.00078; 1000 Genomes Project 0.00080.
gnomAD v4.1: 129 of 1,613,640 alleles (0.008%); highest among the groups gnomAD compares: South Asian, 0.087%; no homozygotes.

Submissions (3):

Labcorp Genetics (formerly Invitae), Labcorp
Classification: Likely benign. Last evaluated: 2025-08-09. Review status: criteria provided, single submitter. Criteria: Invitae Variant Classification Sherloc (09022015). Collection method: clinical testing. Allele origin: germline.

GeneDx
Classification: Uncertain significance. Last evaluated: 2022-11-11. Review status: criteria provided, single submitter. Criteria: GeneDx Variant Classification Process June 2021. Collection method: clinical testing. Allele origin: germline. Affected: yes.
Comment: Has not been previously published as pathogenic or benign to our knowledge; In silico analysis is inconclusive as to whether the variant alters gene splicing. In the absence of RNA/functional studies, the actual effect of this sequence change is unknown

Eurofins Ntd Llc (ga)
Classification: Uncertain significance. Last evaluated: 2015-06-24. Review status: criteria provided, single submitter. Criteria: EGL Classification Definitions 2015. Collection method: clinical testing. Allele origin: germline. Observed: 1 variant allele, 1 heterozygote.

NM_006059.4(LAMC3):c.4031-10G>A

Gene: LAMC3 (laminin subunit gamma 3; plus strand). Cytogenetic location: 9q34.12.
Variant type: single nucleotide variant.
Coding change: c.4031-10G>A on transcript NM_006059.4 (MANE Select); 10 bases into the intron before coding-DNA position 4031, G replaced by A.
Molecular consequence: intron variant.
Genome position (GRCh38, 1-based): chr9:131,085,514, G>A. VCF-style: chr9-131085514-G-A. GRCh37 (hg19) VCF-style: chr9-133960901-G-A.
Identifiers: ClinVar variation 281453 (VCV000281453.14), dbSNP rs555619019, ClinGen allele CA5288033.
Genomic context (GRCh38, chr9:131,085,514, plus strand): 5'-CAGCGGCTGCCTGGGAGGCACCGGAGGTGTGAGCCCAGTTCCCCTGACCCAGCCTCAGCC[G>A]GGTTTGCAGGAATGAAGCTGCAGTTTCCCCGGCCCAAGGACCAGGCGGCATTGCAGAGGA-3'